The following is an entry in ClinVar:

ClinVar aggregate classification (germline): Conflicting classifications of pathogenicity. Review status: criteria provided, conflicting classifications (1 of 4 stars). 2 submissions from 2 submitters: Uncertain significance (1); Benign (1). Last evaluated 2024-06-13.

Conditions:
Familial adenomatous polyposis 1 (FAP1). Also called: FAMILIAL ADENOMATOUS POLYPOSIS 1, ATTENUATED; POLYPOSIS, ADENOMATOUS INTESTINAL. Identifiers: MedGen C2713442, MONDO:0021056, OMIM 175100. Disease mechanism: loss of function.
Hereditary cancer-predisposing syndrome. Also called: Hereditary neoplastic syndrome; Tumor predisposition; Neoplastic Syndromes, Hereditary; Hereditary Cancer Syndrome. Identifiers: Orphanet 140162, MedGen C0027672, MeSH D009386, MONDO:0015356.

Allele frequency attached by ClinVar (database versions not stated): gnomAD exomes below 0.00001 and 0.00001; ExAC 0.00001.
gnomAD v4.1: 2 of 1,613,970 alleles (0.00012%); highest among the groups gnomAD compares: South Asian, 0.0022%; no homozygotes.

Submissions (2):

Ambry Genetics
Classification: Benign for Hereditary cancer-predisposing syndrome. Last evaluated: 2024-06-13. Review status: criteria provided, single submitter. Criteria: Ambry Variant Classification Scheme 2023. Collection method: clinical testing. Allele origin: germline.

Labcorp Genetics (formerly Invitae), Labcorp
Classification: Uncertain significance for Familial adenomatous polyposis 1. Last evaluated: 2024-03-25. Review status: criteria provided, single submitter. Criteria: Invitae Variant Classification Sherloc (09022015). Collection method: clinical testing. Allele origin: germline.
Comment: This sequence change replaces alanine, which is neutral and non-polar, with valine, which is neutral and non-polar, at codon 2219 of the APC protein (p.Ala2219Val). This variant is present in population databases (rs774479966, gnomAD 0.006%). This variant has not been reported in the literature in individuals affected with APC-related conditions. ClinVar contains an entry for this variant (Variation ID: 954402). Advanced modeling of protein sequence and biophysical properties (such as structural, functional, and spatial information, amino acid conservation, physicochemical variation, residue mobility, and thermodynamic stability) performed at Invitae indicates that this missense variant is not expected to disrupt APC protein function with a negative predictive value of 95%. In summary, the available evidence is currently insufficient to determine the role of this variant in disease. Therefore, it has been classified as a Variant of Uncertain Significance.

NM_000038.6(APC):c.6656C>T (p.Ala2219Val)

Gene: APC (APC regulator of Wnt signaling pathway; plus strand). Cytogenetic location: 5q22.2.
Variant type: single nucleotide variant.
Coding change: c.6656C>T on transcript NM_000038.6 (MANE Select); coding-DNA position 6656, C replaced by T.
Protein change: p.Ala2219Val; replaces alanine 2219 with valine.
Molecular consequence: missense variant.
Genome position (GRCh38, 1-based): chr5:112,842,250, C>T. VCF-style: chr5-112842250-C-T. GRCh37 (hg19) VCF-style: chr5-112177947-C-T.
Other names: c.6656C>T, p.Ala2219Val (NM_001127510.3, NM_001354895.2); c.6602C>T, p.Ala2201Val (NM_001127511.3); c.6710C>T, p.Ala2237Val (NM_001354896.2); c.6686C>T, p.Ala2229Val (NM_001354897.2); c.6581C>T, p.Ala2194Val (NM_001354898.2); c.6572C>T, p.Ala2191Val (NM_001354899.2); c.6533C>T, p.Ala2178Val (NM_001354900.2); c.6479C>T, p.Ala2160Val (NM_001354901.2); and 5 more; short protein forms A2093V, A2191V, A2201V, A2229V, A2059V, A2118V, A2160V, A2194V.
Identifiers: ClinVar variation 954402 (VCV000954402.12), dbSNP rs774479966, ClinGen allele CA045637.